The following is an entry in ClinVar:

NM_001136472.2(LITAF):c.284G>A (p.Cys95Tyr)

Gene: LITAF (lipopolysaccharide induced TNF factor; minus strand). Cytogenetic location: 16p13.13.
Variant type: single nucleotide variant.
Coding change: c.284G>A on transcript NM_001136472.2 (MANE Select); coding-DNA position 284, G replaced by A.
Protein change: p.Cys95Tyr; replaces cysteine 95 with tyrosine.
Molecular consequence: missense variant. On other transcripts: non-coding transcript variant (1).
Genome position (GRCh38, 1-based): chr16:11,553,626, C>T on the plus strand (G>A on the coding strand, the complement: LITAF is on the minus strand). VCF-style: chr16-11553626-C-T. GRCh37 (hg19) VCF-style: chr16-11647482-C-T.
Other names: c.284G>A, p.Cys95Tyr (NM_001136473.1, NM_004862.4); short protein forms C95Y.
Identifiers: ClinVar variation 1952157 (VCV001952157.5), dbSNP rs927004977, ClinGen allele CA278305600.
Genomic context (GRCh38, chr16:11,553,626, plus strand): 5'-GTCAGAGCACCGGCGTTATAGGACAGCTGACTCACGATCATCTTGTTGCAGGAAGGACAA[C>T]ACATTTGGATAGGGCGGTCCAAAAAGGTGATGGGGTGCTGCACGTAGACCGTCTGCACGG-3'
Protein context (NP_001129944.1, residues 85-105): ITFLDRPIQM[Cys95Tyr]CPSCNKMIVS

ClinVar aggregate classification (germline): Uncertain significance (1 of 4 stars; one submission).

Conditions:
Charcot-Marie-Tooth disease type 1C. Also called: Charcot-Marie-Tooth disease, type IC; CHARCOT-MARIE-TOOTH NEUROPATHY, TYPE 1C; NEUROPATHY, HEREDITARY MOTOR AND SENSORY, TYPE IC; CHARCOT-MARIE-TOOTH DISEASE, DEMYELINATING, TYPE 1C; CMT, SLOW NERVE CONDUCTION TYPE C; HMSN IC. Identifiers: Orphanet 101083, MedGen C0270913, MONDO:0010995, OMIM 601098.

gnomAD v4.1: 1 of 1,614,156 alleles (0.000062%); no homozygotes.

Submission:

Labcorp Genetics (formerly Invitae), Labcorp
Classification: Uncertain significance for Charcot-Marie-Tooth disease type 1C. Last evaluated: 2022-02-21. Review status: criteria provided, single submitter. Criteria: Invitae Variant Classification Sherloc (09022015). Collection method: clinical testing. Allele origin: germline.
Comment: This variant is not present in population databases (gnomAD no frequency). In summary, the available evidence is currently insufficient to determine the role of this variant in disease. Therefore, it has been classified as a Variant of Uncertain Significance. Algorithms developed to predict the effect of missense changes on protein structure and function (SIFT, PolyPhen-2, Align-GVGD) all suggest that this variant is likely to be tolerated. This variant has not been reported in the literature in individuals affected with LITAF-related conditions. This sequence change replaces cysteine, which is neutral and slightly polar, with tyrosine, which is neutral and polar, at codon 95 of the LITAF protein (p.Cys95Tyr).